The following is an entry in ClinVar:

NM_006766.5(KAT6A):c.4150G>A (p.Val1384Met)

Gene: KAT6A (lysine acetyltransferase 6A; minus strand). Cytogenetic location: 8p11.21.
Variant type: single nucleotide variant.
Coding change: c.4150G>A on transcript NM_006766.5 (MANE Select); coding-DNA position 4150, G replaced by A.
Protein change: p.Val1384Met; replaces valine 1384 with methionine.
Molecular consequence: missense variant.
Genome position (GRCh38, 1-based): chr8:41,934,070, C>T on the plus strand (G>A on the coding strand, the complement: KAT6A is on the minus strand). VCF-style: chr8-41934070-C-T. GRCh37 (hg19) VCF-style: chr8-41791588-C-T.
Other names: short protein forms V1384M.
Identifiers: ClinVar variation 1197725 (VCV001197725.30), dbSNP rs752818339, ClinGen allele CA4729532.
Genomic context (GRCh38, chr8:41,934,070, plus strand): 5'-CCTTAGTGTGGGAGTCTTCTTCGTGGTCGTCCTCAGACCCAGCCATCTGCTCTGACACCA[C>T]GGACGTGTCATGGGAAGGCTGCTCCTCTTCGGAATCCAGCTCGGTTTCCTCTTTATCCTT-3'
Protein context (NP_006757.2, residues 1374-1394): EEEQPSHDTS[Val1384Met]VSEQMAGSED

ClinVar aggregate classification (germline): Benign/Likely benign. Review status: criteria provided, multiple submitters, no conflicts (2 of 4 stars). 4 submissions from 4 submitters: Benign (1); Likely benign (3). Last evaluated 2025-08-29.

Conditions:
Inborn genetic diseases. Identifiers: MedGen C0950123, MeSH D030342.

Allele frequency attached by ClinVar (database versions not stated): ExAC 0.00002; gnomAD 0.00003; TOPMed 0.00003.

Submissions (4):

Labcorp Genetics (formerly Invitae), Labcorp
Classification: Benign. Last evaluated: 2025-08-29. Review status: criteria provided, single submitter. Criteria: Invitae Variant Classification Sherloc (09022015). Collection method: clinical testing. Allele origin: germline.

Ambry Genetics
Classification: Likely benign for Inborn genetic diseases. Last evaluated: 2024-08-07. Review status: criteria provided, single submitter. Criteria: Ambry Variant Classification Scheme 2023. Collection method: clinical testing. Allele origin: germline.

CeGaT Center for Human Genetics Tuebingen
Classification: Likely benign. Last evaluated: 2023-11-01. Review status: criteria provided, single submitter. Criteria: CeGaT Center For Human Genetics Tuebingen Variant Classification Criteria Version 2. Collection method: clinical testing. Allele origin: germline. Affected: yes. Observed: 3 variant alleles.
Comment: KAT6A: BP4

GeneDx
Classification: Likely benign. Last evaluated: 2021-05-26. Review status: criteria provided, single submitter. Criteria: GeneDx Variant Classification Process June 2021. Collection method: clinical testing. Allele origin: germline. Affected: yes.